The following is an entry in ClinVar:

NM_004247.4(EFTUD2):c.2002G>A (p.Glu668Lys)

Gene: EFTUD2 (elongation factor Tu GTP binding domain containing 2; minus strand). Cytogenetic location: 17q21.31.
Variant type: single nucleotide variant.
Coding change: c.2002G>A on transcript NM_004247.4 (MANE Select); coding-DNA position 2002, G replaced by A.
Protein change: p.Glu668Lys; replaces glutamic acid 668 with lysine.
Molecular consequence: missense variant.
Genome position (GRCh38, 1-based): chr17:44,857,118, C>T on the plus strand (G>A on the coding strand, the complement: EFTUD2 is on the minus strand). VCF-style: chr17-44857118-C-T. GRCh37 (hg19) VCF-style: chr17-42934486-C-T.
Other names: c.1897G>A, p.Glu633Lys (NM_001142605.2); c.2002G>A, p.Glu668Lys (NM_001258353.2); c.1972G>A, p.Glu658Lys (NM_001258354.2); short protein forms E633K, E658K, E668K.
Identifiers: ClinVar variation 1315122 (VCV001315122.2), dbSNP rs2145447931, ClinGen allele CA399844890.

ClinVar aggregate classification (germline): Uncertain significance (1 of 4 stars; one submission).

Submission:

GeneDx
Classification: Uncertain significance. Last evaluated: 2020-02-19. Review status: criteria provided, single submitter. Criteria: GeneDx Variant Classification Process June 2021. Collection method: clinical testing. Allele origin: germline. Affected: yes.
Comment: Has not been previously published as pathogenic or benign to our knowledge; Not observed in large population cohorts (Lek et al., 2016); In silico analysis supports that this missense variant has a deleterious effect on protein structure/function